The following is an entry in ClinVar:

ClinVar aggregate classification (germline): Likely benign. Review status: criteria provided, multiple submitters, no conflicts (2 of 4 stars). 4 submissions from 4 submitters: Likely benign (4). Last evaluated 2026-04-27.

Conditions:
Cardiovascular phenotype. Identifiers: MedGen CN230736.
Dilated cardiomyopathy 1G (CMD1G). Identifiers: Orphanet 154, MedGen C1858763, MONDO:0011400, OMIM 604145.
Autosomal recessive limb-girdle muscular dystrophy type 2J (LGMDR10). Also called: MUSCULAR DYSTROPHY, LIMB-GIRDLE, AUTOSOMAL RECESSIVE 10; Limb-girdle muscular dystrophy, type 2J. Identifiers: Orphanet 140922, MedGen C1837342, MONDO:0012127, OMIM 608807.

Allele frequency attached by ClinVar (database versions not stated): TOPMed below 0.00001; gnomAD 0.00001.
gnomAD v4.1: 10 of 1,613,014 alleles (0.00062%); highest among the groups gnomAD compares: Non-Finnish European, 0.00085%; no homozygotes.

Submissions (4):

Women's Health and Genetics/Laboratory Corporation of America, LabCorp
Classification: Likely benign. Last evaluated: 2026-04-27. Review status: criteria provided, single submitter. Criteria: LabCorp Variant Classification Summary - May 2015. Collection method: clinical testing. Allele origin: germline.

Labcorp Genetics (formerly Invitae), Labcorp
Classification: Likely benign for Dilated cardiomyopathy 1G; Autosomal recessive limb-girdle muscular dystrophy type 2J. Last evaluated: 2025-08-18. Review status: criteria provided, single submitter. Criteria: Invitae Variant Classification Sherloc (09022015). Collection method: clinical testing. Allele origin: germline.

CeGaT Center for Human Genetics Tuebingen
Classification: Likely benign. Last evaluated: 2023-10-01. Review status: criteria provided, single submitter. Criteria: CeGaT Center For Human Genetics Tuebingen Variant Classification Criteria Version 2. Collection method: clinical testing. Allele origin: germline. Affected: yes. Observed: 1 variant allele.
Comment: TTN: BP4, BP7

Ambry Genetics
Classification: Likely benign for Cardiovascular phenotype. Last evaluated: 2021-08-31. Review status: criteria provided, single submitter. Criteria: Ambry Variant Classification Scheme 2023. Collection method: clinical testing. Allele origin: germline.

NM_001267550.2(TTN):c.64162T>C (p.Leu21388=)

Genes: TTN (titin; minus strand), TTN-AS1 (TTN antisense RNA 1; plus strand). Cytogenetic location: 2q31.2.
Variant type: single nucleotide variant.
Coding change: c.64162T>C on transcript NM_001267550.2 (MANE Select); coding-DNA position 64162, T replaced by C.
Protein change: p.Leu21388=; no amino-acid change (leucine 21388 retained).
Molecular consequence: synonymous variant.
Genome position (GRCh38, 1-based): chr2:178,586,739, A>G on the plus strand (T>C on the coding strand, the complement: TTN is on the minus strand). VCF-style: chr2-178586739-A-G. GRCh37 (hg19) VCF-style: chr2-179451466-A-G.
Other names: c.59239T>C, p.Leu19747= (NM_001256850.1); c.36967T>C, p.Leu12323= (NM_003319.4); c.56458T>C, p.Leu18820= (NM_133378.4); c.37342T>C, p.Leu12448= (NM_133432.3); c.37543T>C, p.Leu12515= (NM_133437.4).
Identifiers: ClinVar variation 1149475 (VCV001149475.36), dbSNP rs1333849447, ClinGen allele CA430264406.